The following is an entry in ClinVar:

ClinVar aggregate classification (germline): Uncertain significance. Review status: criteria provided, multiple submitters, no conflicts (2 of 4 stars). 3 submissions from 3 submitters: Uncertain significance (2). 1 of the submissions does not count toward it. Last evaluated 2025-12-04.

Conditions:
Nemaline myopathy 2 (NEM2). Also called: Nemaline myopathy 2, autosomal recessive. Identifiers: MedGen C1850569, MONDO:0009725, OMIM 256030.
Inborn genetic diseases. Identifiers: MedGen C0950123, MeSH D030342.

Allele frequency attached by ClinVar (database versions not stated): gnomAD exomes below 0.00001.
gnomAD v4.1: 1 of 1,596,948 alleles (0.000063%); highest among the groups gnomAD compares: Admixed American, 0.0017%; no homozygotes.

Submissions (3):

Ambry Genetics
Classification: Uncertain significance for Inborn genetic diseases. Last evaluated: 2025-12-04. Review status: criteria provided, single submitter. Criteria: Ambry Variant Classification Scheme 2023. Collection method: clinical testing. Allele origin: germline.

Labcorp Genetics (formerly Invitae), Labcorp
Classification: Uncertain significance for Nemaline myopathy 2. Last evaluated: 2022-09-07. Review status: criteria provided, single submitter. Criteria: Invitae Variant Classification Sherloc (09022015). Collection method: clinical testing. Allele origin: germline.
Comment: This sequence change replaces threonine, which is neutral and polar, with alanine, which is neutral and non-polar, at codon 6787 of the NEB protein (p.Thr6787Ala). This variant is not present in population databases (gnomAD no frequency). This variant has not been reported in the literature in individuals affected with NEB-related conditions. ClinVar contains an entry for this variant (Variation ID: 843326). Algorithms developed to predict the effect of missense changes on protein structure and function are either unavailable or do not agree on the potential impact of this missense change (SIFT: "Deleterious"; PolyPhen-2: "Not Available"; Align-GVGD: "Class C0"). In summary, the available evidence is currently insufficient to determine the role of this variant in disease. Therefore, it has been classified as a Variant of Uncertain Significance.

Natera, Inc.
Classification: Uncertain significance for Nemaline myopathy type 2. Last evaluated: 2020-09-16. Review status: no assertion criteria provided. Collection method: clinical testing. Allele origin: germline. Not counted in ClinVar's aggregate classification.

NM_001164508.2(NEB):c.20359A>G (p.Thr6787Ala)

Gene: NEB (nebulin; minus strand). Cytogenetic location: 2q23.3.
Variant type: single nucleotide variant.
Coding change: c.20359A>G on transcript NM_001164508.2 (MANE Select); coding-DNA position 20359, A replaced by G.
Protein change: p.Thr6787Ala; replaces threonine 6787 with alanine.
Molecular consequence: missense variant.
Genome position (GRCh38, 1-based): chr2:151,547,437, T>C on the plus strand (A>G on the coding strand, the complement: NEB is on the minus strand). VCF-style: chr2-151547437-T-C. GRCh37 (hg19) VCF-style: chr2-152403951-T-C.
Other names: c.15256A>G (NM_004543.4); c.20359A>G, p.Thr6787Ala (NM_001164507.2, NM_001271208.2); c.15256A>G, p.Thr5086Ala (NM_004543.5); short protein forms T5086A, T6787A.
Identifiers: ClinVar variation 843326 (VCV000843326.10), dbSNP rs1028441065, ClinGen allele CA57643669.